The following is an entry in ClinVar:

NM_001195518.2(MICU1):c.1319G>A (p.Arg440Gln)

Gene: MICU1 (mitochondrial calcium uptake 1; minus strand). Cytogenetic location: 10q22.1.
Variant type: single nucleotide variant.
Coding change: c.1319G>A on transcript NM_001195518.2 (MANE Select); coding-DNA position 1319, G replaced by A.
Protein change: p.Arg440Gln; replaces arginine 440 with glutamine.
Molecular consequence: missense variant.
Genome position (GRCh38, 1-based): chr10:72,368,307, C>T on the plus strand (G>A on the coding strand, the complement: MICU1 is on the minus strand). VCF-style: chr10-72368307-C-T. GRCh37 (hg19) VCF-style: chr10-74128065-C-T.
Other names: c.1325G>A (NM_006077.3); c.725G>A, p.Arg242Gln (NM_001195519.2); c.1337G>A, p.Arg446Gln (NM_001363513.2); c.1325G>A, p.Arg442Gln (NM_006077.4); short protein forms R442Q, R440Q, R446Q, R242Q.
Identifiers: ClinVar variation 493076 (VCV000493076.47), dbSNP rs765412200, ClinGen allele CA5549997.

ClinVar aggregate classification (germline): Uncertain significance. Review status: criteria provided, multiple submitters, no conflicts (2 of 4 stars). 4 submissions from 4 submitters: Uncertain significance (4). Last evaluated 2025-09-28.

Conditions:
Inborn genetic diseases. Identifiers: MedGen C0950123, MeSH D030342.

Allele frequency attached by ClinVar (database versions not stated): gnomAD 0.00001; ExAC 0.00002; gnomAD exomes 0.00002; TOPMed 0.00003.
gnomAD v4.1: 14 of 1,613,832 alleles (0.00087%); highest among the groups gnomAD compares: Admixed American, 0.0033%; no homozygotes.

Submissions (4):

Ambry Genetics
Classification: Uncertain significance for Inborn genetic diseases. Last evaluated: 2025-09-28. Review status: criteria provided, single submitter. Criteria: Ambry Variant Classification Scheme 2023. Collection method: clinical testing. Allele origin: germline.

GeneDx
Classification: Uncertain significance. Last evaluated: 2025-05-29. Review status: criteria provided, single submitter. Criteria: GeneDx Variant Classification Process June 2021. Collection method: clinical testing. Allele origin: germline. Affected: yes.
Comment: Not observed at significant frequency in large population cohorts (gnomAD); In silico analysis supports that this missense variant has a deleterious effect on protein structure/function; Has not been previously published as pathogenic or benign to our knowledge

Labcorp Genetics (formerly Invitae), Labcorp
Classification: Uncertain significance. Last evaluated: 2025-01-13. Review status: criteria provided, single submitter. Criteria: Invitae Variant Classification Sherloc (09022015). Collection method: clinical testing. Allele origin: germline.
Comment: This sequence change replaces arginine, which is basic and polar, with glutamine, which is neutral and polar, at codon 442 of the MICU1 protein (p.Arg442Gln). This variant is present in population databases (rs765412200, gnomAD 0.009%). This variant has not been reported in the literature in individuals affected with MICU1-related conditions. ClinVar contains an entry for this variant (Variation ID: 493076). Invitae Evidence Modeling of protein sequence and biophysical properties (such as structural, functional, and spatial information, amino acid conservation, physicochemical variation, residue mobility, and thermodynamic stability) indicates that this missense variant is not expected to disrupt MICU1 protein function with a negative predictive value of 80%. In summary, the available evidence is currently insufficient to determine the role of this variant in disease. Therefore, it has been classified as a Variant of Uncertain Significance.

CeGaT Center for Human Genetics Tuebingen
Classification: Uncertain significance. Last evaluated: 2017-08-01. Review status: criteria provided, single submitter. Criteria: CeGaT Center For Human Genetics Tuebingen Variant Classification Criteria Version 2. Collection method: clinical testing. Allele origin: germline. Affected: yes. Observed: 1 variant allele.